The following is an entry in ClinVar:

NM_003978.5(PSTPIP1):c.430T>G (p.Tyr144Asp)

Gene: PSTPIP1 (proline-serine-threonine phosphatase interacting protein 1; plus strand). Cytogenetic location: 15q24.3.
Variant type: single nucleotide variant.
Coding change: c.430T>G on transcript NM_003978.5 (MANE Select); coding-DNA position 430, T replaced by G.
Protein change: p.Tyr144Asp; replaces tyrosine 144 with aspartic acid.
Molecular consequence: missense variant. On other transcripts: non-coding transcript variant (1).
Genome position (GRCh38, 1-based): chr15:77,028,566, T>G. VCF-style: chr15-77028566-T-G. GRCh37 (hg19) VCF-style: chr15-77320907-T-G.
Other names: c.430T>G, p.Tyr144Asp (NM_001321135.2); c.403T>G, p.Tyr135Asp (NM_001321136.2); c.625T>G, p.Tyr209Asp (NM_001321137.1); short protein forms Y144D, Y135D, Y209D.
Identifiers: ClinVar variation 578736 (VCV000578736.10), dbSNP rs377240256, ClinGen allele CA393519764.

ClinVar aggregate classification (germline): Uncertain significance (1 of 4 stars; one submission).

Conditions:
Pyogenic arthritis-pyoderma gangrenosum-acne syndrome (PAPA). Also called: PAPA SYNDROME; FAMILIAL RECURRENT ARTHRITIS. Identifiers: Orphanet 69126, MedGen C1858361, MONDO:0011462, OMIM 604416.

gnomAD v4.1: 1 of 1,601,642 alleles (0.000062%); highest among the groups gnomAD compares: Non-Finnish European, 0.000085%; no homozygotes.

Submission:

Labcorp Genetics (formerly Invitae), Labcorp
Classification: Uncertain significance for Pyogenic arthritis-pyoderma gangrenosum-acne syndrome. Last evaluated: 2019-05-10. Review status: criteria provided, single submitter. Criteria: Invitae Variant Classification Sherloc (09022015). Collection method: clinical testing. Allele origin: germline.
Comment: This variant is not present in population databases (ExAC no frequency). In summary, the available evidence is currently insufficient to determine the role of this variant in disease. Therefore, it has been classified as a Variant of Uncertain Significance. Algorithms developed to predict the effect of missense changes on protein structure and function do not agree on the potential impact of this missense change (SIFT: "Deleterious"; PolyPhen-2: "Probably Damaging"; Align-GVGD: "Class C0"). This variant has not been reported in the literature in individuals with PSTPIP1-related disease. This sequence change replaces tyrosine with aspartic acid at codon 144 of the PSTPIP1 protein (p.Tyr144Asp). The tyrosine residue is highly conserved and there is a large physicochemical difference between tyrosine and aspartic acid.